The following is an entry in ClinVar:

ClinVar aggregate classification (germline): Uncertain significance (1 of 4 stars; one submission).

Submission:

Women's Health and Genetics/Laboratory Corporation of America, LabCorp
Classification: Uncertain significance. Last evaluated: 2025-04-15. Review status: criteria provided, single submitter. Criteria: LabCorp Variant Classification Summary - May 2015. Collection method: clinical testing. Allele origin: germline.
Comment: Variant summary: TPR c.5049_5050delinsCA (p.Ala1684Thr) results in a non-conservative amino acid change in the encoded protein sequence. Four of five in-silico tools predict a benign effect of the variant on protein function. The variant allele was found at a frequency of 2.8e-05 in 1613624 control chromosomes in the gnomAD database, including 1 homozygote. This frequency is not significantly higher than estimated for a pathogenic variant in TPR causing Intellectual Developmental Disorder, Autosomal Recessive 79, allowing no conclusion about variant significance. To our knowledge, no occurrence of c.5049_5050delinsCA in individuals affected with Intellectual Developmental Disorder, Autosomal Recessive 79 and no experimental evidence demonstrating its impact on protein function have been reported. No submitters have cited clinical-significance assessments for this variant to ClinVar. Based on the evidence outlined above, the variant was classified as uncertain significance.

NM_003292.3(TPR):c.5049_5050inv (p.Ala1684Thr)

Gene: TPR (translocated promoter region, nuclear basket protein; minus strand). Cytogenetic location: 1q31.1.
Variant type: Inversion.
Coding change: c.5049_5050inv on transcript NM_003292.3 (MANE Select).
Protein change: p.Ala1684Thr; replaces alanine 1684 with threonine.
Molecular consequence: missense variant.
Genome position: GRCh38 VCF-style: chr1-186334457-CA-TG. GRCh37 (hg19) VCF-style: chr1-186303589-CA-TG.
Other names: c.5049_5050delinsCA (NM_003292.3); short protein forms A1684T.
Identifiers: ClinVar variation 3896267 (VCV003896267.2).